The following is an entry in ClinVar:

ClinVar aggregate classification (germline): Uncertain significance (1 of 4 stars; one submission).

Conditions:
Progressive microcephaly-seizures-cortical blindness-developmental delay syndrome. Also called: Seizures, cortical blindness, and microcephaly syndrome. Identifiers: Orphanet 477814, MedGen C5567650, MONDO:0014714, OMIM 616632.
Autosomal dominant nonsyndromic hearing loss 1. Also called: DEAFNESS, AUTOSOMAL DOMINANT 1, WITH OR WITHOUT THROMBOCYTOPENIA; KONIGSMARK SYNDROME. Identifiers: Orphanet 90635, MedGen C1852282, MONDO:0007424, OMIM 124900.

Allele frequency attached by ClinVar (database versions not stated): gnomAD exomes below 0.00001; ExAC 0.00001.
gnomAD v4.1: 3 of 1,613,282 alleles (0.00019%); highest among the groups gnomAD compares: African/African-American, 0.0013%; no homozygotes.

Submission:

Labcorp Genetics (formerly Invitae), Labcorp
Classification: Uncertain significance for Progressive microcephaly-seizures-cortical blindness-developmental delay syndrome; Autosomal dominant nonsyndromic hearing loss 1. Last evaluated: 2024-04-20. Review status: criteria provided, single submitter. Criteria: Invitae Variant Classification Sherloc (09022015). Collection method: clinical testing. Allele origin: germline.
Comment: This sequence change replaces glutamic acid, which is acidic and polar, with glycine, which is neutral and non-polar, at codon 352 of the DIAPH1 protein (p.Glu352Gly). This variant is present in population databases (rs779820289, gnomAD 0.007%). This variant has not been reported in the literature in individuals affected with DIAPH1-related conditions. ClinVar contains an entry for this variant (Variation ID: 1463512). Experimental studies and prediction algorithms are not available or were not evaluated, and the functional significance of this variant is currently unknown. In summary, the available evidence is currently insufficient to determine the role of this variant in disease. Therefore, it has been classified as a Variant of Uncertain Significance.

NM_005219.5(DIAPH1):c.1055A>G (p.Glu352Gly)

Gene: DIAPH1 (diaphanous related formin 1; minus strand). Cytogenetic location: 5q31.3.
Variant type: single nucleotide variant.
Coding change: c.1055A>G on transcript NM_005219.5 (MANE Select); coding-DNA position 1055, A replaced by G.
Protein change: p.Glu352Gly; replaces glutamic acid 352 with glycine.
Molecular consequence: missense variant.
Genome position (GRCh38, 1-based): chr5:141,578,333, T>C on the plus strand (A>G on the coding strand, the complement: DIAPH1 is on the minus strand). VCF-style: chr5-141578333-T-C. GRCh37 (hg19) VCF-style: chr5-140957900-T-C.
Other names: c.1028A>G, p.Glu343Gly (NM_001079812.3); c.1055A>G, p.Glu352Gly (NM_001314007.2); short protein forms E343G, E352G.
Identifiers: ClinVar variation 1463512 (VCV001463512.8), dbSNP rs779820289, ClinGen allele CA3479394.